The following is an entry in ClinVar:

NM_000465.4(BARD1):c.487G>T (p.Val163Leu)

Gene: BARD1 (BRCA1 associated RING domain 1; minus strand). Cytogenetic location: 2q35.
Variant type: single nucleotide variant.
Coding change: c.487G>T on transcript NM_000465.4 (MANE Select); coding-DNA position 487, G replaced by T.
Protein change: p.Val163Leu; replaces valine 163 with leucine.
Molecular consequence: missense variant. On other transcripts: non-coding transcript variant (2), intron variant (3).
Genome position (GRCh38, 1-based): chr2:214,781,387, C>A on the plus strand (G>T on the coding strand, the complement: BARD1 is on the minus strand). VCF-style: chr2-214781387-C-A. GRCh37 (hg19) VCF-style: chr2-215646111-C-A.
Other names: c.430G>T, p.Val144Leu (NM_001282543.2); c.158+28025G>T (NM_001282548.2); c.215+15674G>T (NM_001282545.2); c.364+10910G>T (NM_001282549.2); c.487G>T (NM_000465.2); short protein forms V144L, V163L.
Identifiers: ClinVar variation 3779398 (VCV003779398.2).

ClinVar aggregate classification (germline): Uncertain significance. Review status: criteria provided, multiple submitters, no conflicts (2 of 4 stars). 2 submissions from 2 submitters: Uncertain significance (2). Last evaluated 2026-07-06.

Conditions:
Hereditary cancer-predisposing syndrome. Also called: Tumor predisposition; Hereditary neoplastic syndrome; Hereditary Cancer Syndrome; Neoplastic Syndromes, Hereditary. Identifiers: Orphanet 140162, MedGen C0027672, MeSH D009386, MONDO:0015356.
Familial cancer of breast. Also called: Hereditary breast cancer; BREAST CANCER, FAMILIAL; hereditary breast carcinoma. Identifiers: Orphanet 227535, MedGen C0346153, MONDO:0016419, OMIM 114480. Disease mechanism: loss of function.

Submissions (2):

Ambry Genetics
Classification: Uncertain significance for Hereditary cancer-predisposing syndrome. Last evaluated: 2026-07-06. Review status: criteria provided, single submitter. Criteria: Ambry Variant Classification Scheme 2023. Collection method: clinical testing. Allele origin: germline.
Comment: The p.V163L variant (also known as c.487G>T), located in coding exon 4 of the BARD1 gene, results from a G to T substitution at nucleotide position 487. The valine at codon 163 is replaced by leucine, an amino acid with highly similar properties. This amino acid position is conserved. In addition, this alteration is predicted to be tolerated by in silico analysis. Based on the available evidence, the clinical significance of this variant remains unclear.

Department of Pathology and Laboratory Medicine, Sinai Health System
Classification: Uncertain significance for Familial cancer of breast. Last evaluated: 2023-02-01. Review status: criteria provided, single submitter. Criteria: ACMG Guidelines, 2015. Collection method: clinical testing. Allele origin: germline. Affected: yes.